The following is an entry in ClinVar:

ClinVar aggregate classification (germline): Uncertain significance (1 of 4 stars; one submission).

Submission:

Women's Health and Genetics/Laboratory Corporation of America, LabCorp
Classification: Uncertain significance. Last evaluated: 2023-08-22. Review status: criteria provided, single submitter. Criteria: LabCorp Variant Classification Summary - May 2015. Collection method: clinical testing. Allele origin: germline.
Comment: Variant summary: SHANK2 c.1598A>C (p.Glu533Ala) results in a non-conservative amino acid change located in the SH3 domain (IPR001452) of the encoded protein sequence. Three of four in-silico tools predict a damaging effect of the variant on protein function. The variant was absent in 155228 control chromosomes (gnomAD). The available data on variant occurrences in the general population are insufficient to allow any conclusion about variant significance. To our knowledge, no occurrence of c.1598A>C in individuals affected with Autism, Susceptibility To, 17 and no experimental evidence demonstrating its impact on protein function have been reported. No submitters have cited clinical-significance assessments for this variant to ClinVar after 2014. Based on the evidence outlined above, the variant was classified as uncertain significance.

NM_012309.5(SHANK2):c.1745A>C (p.Glu582Ala)

Gene: SHANK2 (SH3 and multiple ankyrin repeat domains 2; minus strand). Cytogenetic location: 11q13.4.
Variant type: single nucleotide variant.
Coding change: c.1745A>C on transcript NM_012309.5 (MANE Select); coding-DNA position 1745, A replaced by C.
Protein change: p.Glu582Ala; replaces glutamic acid 582 with alanine.
Molecular consequence: missense variant.
Genome position (GRCh38, 1-based): chr11:70,798,475, T>G on the plus strand (A>C on the coding strand, the complement: SHANK2 is on the minus strand). VCF-style: chr11-70798475-T-G. GRCh37 (hg19) VCF-style: chr11-70644580-T-G.
Other names: c.608A>C, p.Glu203Ala (NM_001379226.1); short protein forms E203A, E582A.
Identifiers: ClinVar variation 2581297 (VCV002581297.1), dbSNP rs2499554728, ClinGen allele CA381957834.